The following is an entry in ClinVar:

ClinVar aggregate classification (germline): Uncertain significance. Review status: criteria provided, multiple submitters, no conflicts (2 of 4 stars). 2 submissions from 2 submitters: Uncertain significance (2). Last evaluated 2024-11-11.

Conditions:
Joubert syndrome 23 (JBTS23). Identifiers: Orphanet 475, MedGen C4084822, MONDO:0014664, OMIM 616490.
Short-rib thoracic dysplasia 14 with polydactyly (SRTD14). Identifiers: Orphanet 397715, MedGen C4225286, MONDO:0014688, OMIM 616546.
Inborn genetic diseases. Identifiers: MedGen C0950123, MeSH D030342.

Allele frequency attached by ClinVar (database versions not stated): TOPMed 0.00001; gnomAD 0.00002; gnomAD exomes 0.00002 and 0.00005; ExAC 0.00008.
gnomAD v4.1: 39 of 1,607,356 alleles (0.0024%); highest among the groups gnomAD compares: Admixed American, 0.0034%; no homozygotes.

Submissions (2):

Labcorp Genetics (formerly Invitae), Labcorp
Classification: Uncertain significance for Joubert syndrome 23; Short-rib thoracic dysplasia 14 with polydactyly. Last evaluated: 2024-11-11. Review status: criteria provided, single submitter. Criteria: Invitae Variant Classification Sherloc (09022015). Collection method: clinical testing. Allele origin: germline.
Comment: This sequence change replaces glycine, which is neutral and non-polar, with alanine, which is neutral and non-polar, at codon 546 of the KIAA0586 protein (p.Gly546Ala). This variant is present in population databases (rs780301208, gnomAD 0.008%). This variant has not been reported in the literature in individuals affected with KIAA0586-related conditions. ClinVar contains an entry for this variant (Variation ID: 1407260). Invitae Evidence Modeling of protein sequence and biophysical properties (such as structural, functional, and spatial information, amino acid conservation, physicochemical variation, residue mobility, and thermodynamic stability) indicates that this missense variant is not expected to disrupt KIAA0586 protein function with a negative predictive value of 80%. In summary, the available evidence is currently insufficient to determine the role of this variant in disease. Therefore, it has been classified as a Variant of Uncertain Significance.

Ambry Genetics
Classification: Uncertain significance for Inborn genetic diseases. Last evaluated: 2023-03-17. Review status: criteria provided, single submitter. Criteria: Ambry Variant Classification Scheme 2023. Collection method: clinical testing. Allele origin: germline.

NM_001329943.3(KIAA0586):c.1478G>C (p.Gly493Ala)

Gene: KIAA0586 (KIAA0586; plus strand). Cytogenetic location: 14q23.1.
Variant type: single nucleotide variant.
Coding change: c.1478G>C on transcript NM_001329943.3 (MANE Select); coding-DNA position 1478, G replaced by C.
Protein change: p.Gly493Ala; replaces glycine 493 with alanine.
Molecular consequence: missense variant.
Genome position (GRCh38, 1-based): chr14:58,457,874, G>C. VCF-style: chr14-58457874-G-C. GRCh37 (hg19) VCF-style: chr14-58924592-G-C.
Other names: c.1637G>C, p.Gly546Ala (NM_001244189.2); c.1433G>C, p.Gly478Ala (NM_001244190.2); c.1223G>C, p.Gly408Ala (NM_001244191.2, NM_001329945.2, NM_001364700.1 and 1 more transcripts); c.1346G>C, p.Gly449Ala (NM_001244192.2); c.1058G>C, p.Gly353Ala (NM_001244193.2); c.1478G>C, p.Gly493Ala (NM_001329944.2, NM_001329946.2, NM_001329947.2 and 1 more transcripts); c.1478G>C (NM_014749.3); short protein forms G353A, G408A, G449A, G478A, G493A, G546A.
Identifiers: ClinVar variation 1407260 (VCV001407260.5), dbSNP rs780301208, ClinGen allele CA7205665.